The following is an entry in ClinVar:

NM_001009944.3(PKD1):c.4264G>A (p.Ala1422Thr)

Gene: PKD1 (polycystin 1, transient receptor potential channel interacting; minus strand). Cytogenetic location: 16p13.3.
Variant type: single nucleotide variant.
Coding change: c.4264G>A on transcript NM_001009944.3 (MANE Select); coding-DNA position 4264, G replaced by A.
Protein change: p.Ala1422Thr; replaces alanine 1422 with threonine.
Molecular consequence: missense variant.
Genome position (GRCh38, 1-based): chr16:2,110,903, C>T on the plus strand (G>A on the coding strand, the complement: PKD1 is on the minus strand). VCF-style: chr16-2110903-C-T. GRCh37 (hg19) VCF-style: chr16-2160904-C-T.
Other names: c.4264G>A, p.Ala1422Thr (NM_000296.4); short protein forms A1422T.
Identifiers: ClinVar variation 256964 (VCV000256964.49), dbSNP rs140980374, ClinGen allele CA7832437.

ClinVar aggregate classification (germline): Benign/Likely benign. Review status: criteria provided, multiple submitters, no conflicts (2 of 4 stars). 13 submissions from 13 submitters: Benign (3); Likely benign (5). 5 of the submissions do not count toward it. Last evaluated 2026-07-01.

Conditions:
PKD1-related disorder. Also called: PKD1-related condition.
Autosomal dominant polycystic kidney disease. Identifiers: Orphanet 730, MedGen C0085413, MONDO:0004691.
Polycystic kidney disease, adult type (PKD1). Also called: POLYCYSTIC KIDNEY DISEASE, ADULT, TYPE I; Polycystic Kidney, Autosomal Dominant; Polycystic Kidney Disease 1, Autosomal Dominant; Polycystic kidney disease 1; Polycystic kidney disease 1, severe; POLYCYSTIC KIDNEY DISEASE 1 WITH OR WITHOUT POLYCYSTIC LIVER DISEASE. Identifiers: MedGen C3149841, MONDO:0008263, OMIM 173900.
Polycystic kidney disease. Also called: Kidney, Polycystic; Polycystic kidney dysplasia. Identifiers: MedGen C0022680, MeSH D007690, MONDO:0020642, HP:0000113.

Allele frequency attached by ClinVar (database versions not stated): 1000 Genomes Project 30x 0.00406; 1000 Genomes Project 0.00439; gnomAD 0.00485 and 0.00492; TOPMed 0.00506; gnomAD exomes 0.00591; ExAC 0.00601; ESP Exome Variant Server 0.00624.
gnomAD v4.1: 8,770 of 1,611,388 alleles (0.54%); highest among the groups gnomAD compares: Middle Eastern, 4.9%; 52 homozygotes.

Submissions (13):

CeGaT Center for Human Genetics Tuebingen
Classification: Likely benign. Last evaluated: 2026-07-01. Review status: criteria provided, single submitter. Criteria: CeGaT Center For Human Genetics Tuebingen Variant Classification Criteria Version 2. Collection method: clinical testing. Allele origin: germline. Affected: yes. Observed: 12 variant alleles.
Comment: PKD1: BP4, BS2

Women's Health and Genetics/Laboratory Corporation of America, LabCorp
Classification: Likely benign. Last evaluated: 2025-06-18. Review status: criteria provided, single submitter. Criteria: LabCorp Variant Classification Summary - May 2015. Collection method: clinical testing. Allele origin: germline.
Comment: Variant summary: PKD1 c.4264G>A (p.Ala1422Thr) results in a non-conservative amino acid change in the encoded protein sequence. Algorithms developed to predict the effect of missense changes on protein structure and function are either unavailable or do not agree on the potential impact of this missense change. The variant allele was found at a frequency of 0.0059 in 248902 control chromosomes in the gnomAD database, including 12 homozygotes. The observed variant frequency exceeds the estimated maximal expected allele frequency for a pathogenic variant in PKD1 causing PKD1-Biallelic Autosomal Recessive Polycystic Kidney Disease phenotype. c.4264G>A has been observed in individuals affected with Polycystic Kidney Disease (e.g., Rossetti_2007, Alzahrani_2022). These reports do not provide unequivocal conclusions about association of the variant with PKD1-Biallelic Autosomal Recessive Polycystic Kidney Disease. To our knowledge, no experimental evidence demonstrating an impact on protein function has been reported. The following publications have been ascertained in the context of this evaluation (PMID: 36422197, 17582161). ClinVar contains an entry for this variant (Variation ID: 256964). Based on the evidence outlined above, the variant was classified as likely benign.

Blueprint Genetics
Classification: Benign. Last evaluated: 2024-11-27. Review status: criteria provided, single submitter. Criteria: ACMG Guidelines, 2015. Collection method: clinical testing. Allele origin: germline.

Mayo Clinic Laboratories, Mayo Clinic
Classification: Benign. Last evaluated: 2022-10-06. Review status: criteria provided, single submitter. Criteria: ACMG Guidelines, 2015. Collection method: clinical testing. Allele origin: germline. Observed: 16 variant alleles.
Comment: BS1, BS2, BP4

GeneDx
Classification: Likely benign. Last evaluated: 2020-10-08. Review status: criteria provided, single submitter. Criteria: GeneDx Variant Classification Process June 2021. Collection method: clinical testing. Allele origin: germline. Affected: yes.
Comment: This variant is associated with the following publications: (PMID: 17582161, 22383692)

ARUP Laboratories, Molecular Genetics and Genomics, ARUP Laboratories
Classification: Benign for Polycystic kidney disease, adult type. Last evaluated: 2019-12-20. Review status: criteria provided, single submitter. Criteria: ARUP Molecular Germline Variant Investigation Process. Collection method: clinical testing. Allele origin: germline.

Molecular Genetics of Inherited Kidney Disorders Laboratory, Garvan Institute of Medical Research
Classification: Likely benign for Autosomal dominant polycystic kidney disease. Last evaluated: 2019-01-01. Review status: criteria provided, single submitter. Criteria: ACMG Guidelines, 2015. Collection method: research. Allele origin: germline. Affected: yes.

Breakthrough Genomics
Classification: Likely benign. Review status: criteria provided, single submitter. Criteria: ACMG Guidelines, 2015. Collection method: not provided. Allele origin: germline. Inheritance: Autosomal dominant inheritance. Affected: yes.

PreventionGenetics, part of Exact Sciences
Classification: Benign for PKD1-related condition. Last evaluated: 2019-09-05. Review status: no assertion criteria provided. Collection method: clinical testing. Allele origin: germline. Not counted in ClinVar's aggregate classification.
Comment: This variant is classified as benign based on ACMG/AMP sequence variant interpretation guidelines (Richards et al. 2015 PMID: 25741868, with internal and published modifications).

Clinical Genetics DNA and cytogenetics Diagnostics Lab, Erasmus MC, Erasmus Medical Center
Classification: Likely benign. Review status: no assertion criteria provided. Collection method: clinical testing. Allele origin: germline. Affected: yes. Study: VKGL Data-share Consensus. Not counted in ClinVar's aggregate classification.

Department of Pathology and Laboratory Medicine, Sinai Health System
Classification: Benign for Polycystic Kidney disease. Review status: no assertion criteria provided. Collection method: clinical testing. Allele origin: unknown. Affected: yes. Study: The Canadian Open Genetics Repository (COGR). Not counted in ClinVar's aggregate classification.
Comment: PKD1, EXON15, c.4264G>A, p.Ala1422Thr, (Alias c.4475G>A), Heterozygous, Benign The PKD1 p.Ala1422Thr variant was identified in 3 of 864 proband chromosomes (frequency: 0.003) from individuals or families with ADPKD, and was not identified in 242 control chromosomes from healthy individuals (Rossetti 2007, Rossetti 2012). The variant was also identified in dbSNP (ID: rs140980374) â€šÃ„ÃºWith clinical significance allele not availableâ€šÃ„Ã¹, in 1000 Genomes Project in 22 of 5000 chromosomes (frequency: 0.004), in NHLBI GO Exome Sequencing Project (ESP) in 72 of 8592 European American (frequency: 0.008) and 9 in 4394 (frequency: 0.002) African American alleles. This variant was identified in the Exome Aggregation Consortium database (March 2016) in 713 (5 homozygous) of 118566 chromosomes (freq. 0.006) in the following populations: other in 10 of 880 chromosomes (freq. 0.01), European (Non-Finnish) in 565 of 64594 chromosomes (freq. 0.009), South Asian in 76 of 16504 chromosomes (freq. 0.005), Latino in 45 of 11538 chromosomes (freq. 0.004), Finnish in 7 of 6602 chromosomes (freq. 0.001), and African in 10 of 9854 chromosomes (freq. 0.001), but was not seen in the East Asian populations, increasing the likelihood this could be a low frequency benign variant. However we cannot be certain that variant data from control databases is specific to PKD1 and not from one of the six PKD1 pseudogenes. Furthermore, the variant is listed in the GeneInsight COGR database as benign, as likely neutral in the ADPKD Mutation Database, and listed with no classification in the PKD1-LOVD 3.0 database. The p.Ala1422 residue is not conserved in mammals and computational analyses (PolyPhen-2, SIFT, AlignGVGD, BLOSUM, MutationTaster) do not suggest a high likelihood of impact to the protein; however, this information is not predictive enough to rule out pathogenicity. Furthermore, the variant amino acid â€šÃ„ÃºThreonineâ€šÃ„Ã¹ is present in macaque, increasing the likelihood that this variant does not have clinical significance. Computational analyses (PolyPhen-2, SIFT, AlignGVGD, BLOSUM, MutationTaster) do not suggest a high likelihood of impact to the protein. The variant occurs outside of the splicing consensus sequence and in silico or computational prediction software programs (SpliceSiteFinder, MaxEntScan, NNSPLICE, GeneSplicer, HumanSpliceFinder) do not predict a difference in splicing. In summary, based on the above information, this variant is classified as benign.

Joint Genome Diagnostic Labs from Nijmegen and Maastricht, Radboudumc and MUMC+
Classification: Benign. Review status: no assertion criteria provided. Collection method: clinical testing. Allele origin: germline. Affected: yes. Study: VKGL Data-share Consensus. Not counted in ClinVar's aggregate classification.

Laboratory of Diagnostic Genome Analysis, Leiden University Medical Center (LUMC)
Classification: Likely benign. Review status: no assertion criteria provided. Collection method: clinical testing. Allele origin: germline. Affected: yes. Study: VKGL Data-share Consensus. Not counted in ClinVar's aggregate classification.

Literature cited by the submitters: PubMed 17582161 (cited by Women's Health and Genetics/Laboratory Corporation of America, LabCorp); PubMed 36422197 (cited by Women's Health and Genetics/Laboratory Corporation of America, LabCorp).